The following is an entry in ClinVar:

NM_001349253.2(SCN11A):c.4376C>G (p.Pro1459Arg)

Gene: SCN11A (sodium voltage-gated channel alpha subunit 11; minus strand). Cytogenetic location: 3p22.2.
Variant type: single nucleotide variant.
Coding change: c.4376C>G on transcript NM_001349253.2 (MANE Select); coding-DNA position 4376, C replaced by G.
Protein change: p.Pro1459Arg; replaces proline 1459 with arginine.
Molecular consequence: missense variant.
Genome position (GRCh38, 1-based): chr3:38,847,694, G>C on the plus strand (C>G on the coding strand, the complement: SCN11A is on the minus strand). VCF-style: chr3-38847694-G-C. GRCh37 (hg19) VCF-style: chr3-38889185-G-C.
Other names: c.4376C>G, p.Pro1459Arg (NM_014139.3); short protein forms P1459R.
Identifiers: ClinVar variation 1995397 (VCV001995397.4), dbSNP rs200772406, ClinGen allele CA352164048.

ClinVar aggregate classification (germline): Uncertain significance (1 of 4 stars; one submission).

Conditions:
Hereditary sensory and autonomic neuropathy type 7. Also called: HSAN VII; Neuropathy, hereditary sensory and autonomic, type VII. Identifiers: Orphanet 391397, MedGen C3809882, MONDO:0014244, OMIM 615548.
Familial episodic pain syndrome with predominantly lower limb involvement. Also called: Episodic pain syndrome, familial, 3. Identifiers: Orphanet 391384, Orphanet 391392, MedGen C3809899, MONDO:0014247, OMIM 615552.

Submission:

Labcorp Genetics (formerly Invitae), Labcorp
Classification: Uncertain significance for Familial episodic pain syndrome with predominantly lower limb involvement; Hereditary sensory and autonomic neuropathy type 7. Last evaluated: 2022-05-17. Review status: criteria provided, single submitter. Criteria: Invitae Variant Classification Sherloc (09022015). Collection method: clinical testing. Allele origin: germline.
Comment: In summary, the available evidence is currently insufficient to determine the role of this variant in disease. Therefore, it has been classified as a Variant of Uncertain Significance. Algorithms developed to predict the effect of missense changes on protein structure and function (SIFT, PolyPhen-2, Align-GVGD) all suggest that this variant is likely to be disruptive. This variant has not been reported in the literature in individuals affected with SCN11A-related conditions. This variant is not present in population databases (gnomAD no frequency). This sequence change replaces proline, which is neutral and non-polar, with arginine, which is basic and polar, at codon 1459 of the SCN11A protein (p.Pro1459Arg).